The following is an entry in ClinVar:

ClinVar aggregate classification (germline): Uncertain significance (1 of 4 stars; one submission).

gnomAD v4.1: 1 of 1,614,004 alleles (0.000062%); highest among the groups gnomAD compares: African/African-American, 0.0013%; no homozygotes.

Submission:

GeneDx
Classification: Uncertain significance. Last evaluated: 2023-07-14. Review status: criteria provided, single submitter. Criteria: GeneDx Variant Classification Process June 2021. Collection method: clinical testing. Allele origin: germline. Affected: yes.
Comment: Not observed at significant frequency in large population cohorts (gnomAD); In silico analysis supports that this missense variant does not alter protein structure/function; Has not been previously published as pathogenic or benign to our knowledge

NM_001813.3(CENPE):c.4283A>G (p.Lys1428Arg)

Gene: CENPE (centromere protein E; minus strand). Cytogenetic location: 4q24.
Variant type: single nucleotide variant.
Coding change: c.4283A>G on transcript NM_001813.3 (MANE Select); coding-DNA position 4283, A replaced by G.
Protein change: p.Lys1428Arg; replaces lysine 1428 with arginine.
Molecular consequence: missense variant.
Genome position (GRCh38, 1-based): chr4:103,145,959, T>C on the plus strand (A>G on the coding strand, the complement: CENPE is on the minus strand). VCF-style: chr4-103145959-T-C. GRCh37 (hg19) VCF-style: chr4-104067116-T-C.
Other names: c.4208A>G, p.Lys1403Arg (NM_001286734.2); short protein forms K1403R, K1428R.
Identifiers: ClinVar variation 3360999 (VCV003360999.1).
Genomic context (GRCh38, chr4:103,145,959, plus strand): 5'-TGTAGGTCATCTTTCTCCTTAGCTACAGATTTCATTTCATCATGACTTTCTTGAAGTCTT[T>C]TGGACAATCCGAGCATTTCTATTTCTATCCTTAGTAGTGCTGAATCTTTGGGTTTGAATT-3'
Protein context (NP_001804.2, residues 1418-1438): RIEIEMLGLS[Lys1428Arg]RLQESHDEMK